The following is an entry in ClinVar:

ClinVar aggregate classification (germline): Uncertain significance (1 of 4 stars; one submission).

Conditions:
SEMA3C-related disorder. Also called: SEMA3C-related condition.

gnomAD v4.1: 2 of 1,613,414 alleles (0.00012%); highest among the groups gnomAD compares: Non-Finnish European, 0.00017%; no homozygotes.

Submission:

PreventionGenetics, part of Exact Sciences
Classification: Uncertain significance for SEMA3C-related condition. Last evaluated: 2025-08-10. Review status: criteria provided, single submitter. Criteria: ACMG Guidelines, 2015. Collection method: clinical testing. Allele origin: germline.
Comment: The SEMA3C c.98G>A variant is predicted to result in the amino acid substitution p.Cys33Tyr. To our knowledge, this variant has not been reported in the literature. This variant is reported in 0.00088% of alleles in individuals of European (Non-Finnish) descent in gnomAD. At this time, the clinical significance of this variant is uncertain due to the absence of conclusive functional and genetic evidence.

NM_006379.5(SEMA3C):c.44G>A (p.Cys15Tyr)

Gene: SEMA3C (semaphorin 3C; minus strand). Cytogenetic location: 7q21.11.
Variant type: single nucleotide variant.
Coding change: c.44G>A on transcript NM_006379.5 (MANE Select); coding-DNA position 44, G replaced by A.
Protein change: p.Cys15Tyr; replaces cysteine 15 with tyrosine.
Molecular consequence: missense variant. On other transcripts: 5 prime UTR variant (1).
Genome position (GRCh38, 1-based): chr7:80,916,738, C>T on the plus strand (G>A on the coding strand, the complement: SEMA3C is on the minus strand). VCF-style: chr7-80916738-C-T. GRCh37 (hg19) VCF-style: chr7-80546054-C-T.
Other names: c.98G>A, p.Cys33Tyr (NM_001350120.2); c.-219G>A (NM_001350121.2); short protein forms C15Y, C33Y.
Identifiers: ClinVar variation 4997156 (VCV004997156.1).